The following is an entry in ClinVar:

ClinVar aggregate classification (germline): Pathogenic/Likely pathogenic. Review status: criteria provided, multiple submitters, no conflicts (2 of 4 stars). 9 submissions from 9 submitters: Pathogenic (4); Likely pathogenic (4). 1 of the submissions does not count toward it. Last evaluated 2026-03-01.

Conditions:
Leber congenital amaurosis 13 (LCA13). Identifiers: MedGen C2675186, MONDO:0012990, OMIM 612712.
Cone-rod dystrophy. Also called: Cone/cone-rod dystrophy; Cone-rod degeneration. Identifiers: Orphanet 1872, MedGen C4085590, MONDO:0015993, HP:0000548.
Retinitis pigmentosa, juvenile. Identifiers: MedGen CN260077.
RDH12-related disorder. Also called: RDH12-related disorders; RDH12-related condition.
Retinal dystrophy. Also called: Inherited retinal dystrophy. Identifiers: Orphanet 71862, MedGen C0854723, MeSH D058499, MONDO:0019118, HP:0000556.
Leber congenital amaurosis (LCA). Also called: Leber's amaurosis. Identifiers: Orphanet 65, MedGen C0339527, MeSH D057130, MONDO:0018998.

Allele frequency attached by ClinVar (database versions not stated): gnomAD 0.00002; ExAC 0.00003; TOPMed 0.00003; gnomAD exomes 0.00002.
gnomAD v4.1: 19 of 1,613,102 alleles (0.0012%); highest among the groups gnomAD compares: South Asian, 0.0033%; no homozygotes.

Submissions (9):

Medical Molecular Genetics Department, National Research Center
Classification: Likely pathogenic for Retinitis pigmentosa, juvenile. Last evaluated: 2026-03-01. Review status: criteria provided, single submitter. Criteria: ACMG Guidelines, 2015. Collection method: research. Allele origin: germline. Affected: yes. Observed: 1 variant allele.
Comment: RDH12 c.481C>T (p.Arg161Trp): Rare in gnomAD (AF=0.00002). Recurrent in RP patients. Homozygous segregation. Multiple literature reports (PMID:22065924 and others). Conserved catalytic residue. Classified Likely pathogenic (PM2,PM3,PP2)

Labcorp Genetics (formerly Invitae), Labcorp
Classification: Pathogenic for Leber congenital amaurosis 13. Last evaluated: 2026-01-26. Review status: criteria provided, single submitter. Criteria: Invitae Variant Classification Sherloc (09022015). Collection method: clinical testing. Allele origin: germline.
Comment: This sequence change replaces arginine, which is basic and polar, with tryptophan, which is neutral and slightly polar, at codon 161 of the RDH12 protein (p.Arg161Trp). This variant is present in population databases (rs759408031, gnomAD 0.006%). This missense change has been observed in individual(s) with autosomal recessive RDH12-related conditions (PMID: 22065924, 27032803; internal data). In at least one individual the data is consistent with being in trans (on the opposite chromosome) from a pathogenic variant. ClinVar contains an entry for this variant (Variation ID: 643541). Invitae Evidence Modeling of protein sequence and biophysical properties (such as structural, functional, and spatial information, amino acid conservation, physicochemical variation, residue mobility, and thermodynamic stability) indicates that this missense variant is not expected to disrupt RDH12 protein function with a negative predictive value of 80%. For these reasons, this variant has been classified as Pathogenic.

Natera, Inc.
Classification: Pathogenic for Leber congenital amaurosis. Last evaluated: 2025-09-10. Review status: criteria provided, single submitter. Criteria: Natera Variant Classification Schema (03/2026). Collection method: clinical testing. Allele origin: germline.
Comment: The c.481C>T variant in RDH12 is a missense variant predicted to cause substitution of arginine to tryptophan at amino acid 161. This variant is rare in the general population with a frequency below the threshold expected for the associated phenotype(s). This variant has been observed in one or more individuals affected with the associated recessive disease, as either homozygous or compound heterozygous with a second variant (PMID: 24474277, 34662339, 22065924, 27032803). Additionally, this variant has been observed to segregate in affected family members (PMID: 27032803). Computational prediction algorithms indicate this variant is likely to affect gene or protein function. Given the available evidence, this variant is classified as Pathogenic.

Institute of Medical Genetics and Applied Genomics, University Hospital Tübingen
Classification: Likely pathogenic for Leber congenital amaurosis 13. Last evaluated: 2025-05-23. Review status: criteria provided, single submitter. Criteria: ACMG Guidelines, 2015. Collection method: clinical testing. Allele origin: germline. Inheritance: Autosomal recessive inheritance. Affected: yes.

First Genomix Gene Laboratory, Genetic Diagnostics Department
Classification: Pathogenic for Leber congenital amaurosis 13. Last evaluated: 2025-01-08. Review status: criteria provided, single submitter. Criteria: ACMG Guidelines, 2015. Collection method: clinical testing. Allele origin: germline. Inheritance: Autosomal recessive inheritance. Affected: no. Observed: 1 variant allele.

Fulgent Genetics
Classification: Likely pathogenic for Leber congenital amaurosis 13. Last evaluated: 2024-06-21. Review status: criteria provided, single submitter. Criteria: ACMG Guidelines, 2015. Collection method: clinical testing. Allele origin: germline.

Dept Of Ophthalmology, Nagoya University
Classification: Likely pathogenic for Retinal dystrophy. Last evaluated: 2023-10-01. Review status: criteria provided, single submitter. Criteria: Submitter's publication. Collection method: research. Allele origin: germline. Affected: yes.

Blueprint Genetics
Classification: Pathogenic for RDH12-related disorders. Last evaluated: 2022-02-02. Review status: criteria provided, single submitter. Criteria: ACMG Guidelines, 2015. Collection method: clinical testing. Allele origin: germline. Affected: yes. Observed: 5 variant alleles.

Sharon lab, Hadassah-Hebrew University Medical Center
Classification: Pathogenic for Cone-rod degeneration. Last evaluated: 2019-06-23. Review status: no assertion criteria provided. Collection method: research. Allele origin: inherited. Affected: yes. Not counted in ClinVar's aggregate classification.

Literature cited by the submitters: PubMed 22065924 (cited by 3 submitters); PubMed 24474277 (cited by Medical Molecular Genetics Department, National Research Center and Natera, Inc.); PubMed 27032803 (cited by 3 submitters); PubMed 34662339 (cited by Natera, Inc.).

NM_152443.3(RDH12):c.481C>T (p.Arg161Trp)

Genes: GPHN (gephyrin; plus strand), RDH12 (retinol dehydrogenase 12; plus strand). Cytogenetic location: 14q24.1.
Variant type: single nucleotide variant.
Coding change: c.481C>T on transcript NM_152443.3 (MANE Select); coding-DNA position 481, C replaced by T.
Protein change: p.Arg161Trp; replaces arginine 161 with tryptophan.
Molecular consequence: missense variant.
Genome position (GRCh38, 1-based): chr14:67,727,013, C>T. VCF-style: chr14-67727013-C-T. GRCh37 (hg19) VCF-style: chr14-68193730-C-T.
Other names: p.Arg161Trp; short protein forms R161W.
Identifiers: ClinVar variation 643541 (VCV000643541.19), dbSNP rs759408031, ClinGen allele CA7238728.